The following is an entry in ClinVar:

ClinVar aggregate classification (germline): Uncertain significance (1 of 4 stars; one submission).

gnomAD v4.1: 50 of 1,613,940 alleles (0.0031%); highest among the groups gnomAD compares: Middle Eastern, 0.049%; no homozygotes.

Submission:

Labcorp Genetics (formerly Invitae), Labcorp
Classification: Uncertain significance. Last evaluated: 2025-04-30. Review status: criteria provided, single submitter. Criteria: Invitae Variant Classification Sherloc (09022015). Collection method: clinical testing. Allele origin: germline.
Comment: This sequence change replaces arginine, which is basic and polar, with histidine, which is basic and polar, at codon 481 of the LIPG protein (p.Arg481His). This variant is present in population databases (rs762143243, gnomAD 0.02%). This variant has not been reported in the literature in individuals affected with LIPG-related conditions. An algorithm developed to predict the effect of missense changes on protein structure and function outputs the following: PolyPhen-2: "Benign". The histidine amino acid residue is found in multiple mammalian species, which suggests that this missense change does not adversely affect protein function. In summary, the available evidence is currently insufficient to determine the role of this variant in disease. Therefore, it has been classified as a Variant of Uncertain Significance.

NM_006033.4(LIPG):c.1442G>A (p.Arg481His)

Gene: LIPG (lipase G, endothelial type; plus strand). Cytogenetic location: 18q21.1.
Variant type: single nucleotide variant.
Coding change: c.1442G>A on transcript NM_006033.4 (MANE Select); coding-DNA position 1442, G replaced by A.
Protein change: p.Arg481His; replaces arginine 481 with histidine.
Molecular consequence: missense variant.
Genome position (GRCh38, 1-based): chr18:49,586,811, G>A. VCF-style: chr18-49586811-G-A. GRCh37 (hg19) VCF-style: chr18-47113181-G-A.
Other names: c.1220G>A, p.Arg407His (NM_001308006.2); short protein forms R407H, R481H.
Identifiers: ClinVar variation 4747869 (VCV004747869.1).
Genomic context (GRCh38, chr18:49,586,811, plus strand): 5'-CATTTTGTACAGAAGACCCTGAGAACACCAGCATATCCCCAGGCCGGGAGCTCTGGTTTC[G>A]CAAGTGTCGGGATGGCTGGAGGATGAAAAACGAAACCAGGTAACCAGGACTTTCTCACAC-3'
Protein context (NP_006024.1, residues 471-491): SISPGRELWF[Arg481His]KCRDGWRMKN